The following is an entry in ClinVar:

NM_025144.4(ALPK1):c.2956G>A (p.Gly986Arg)

Gene: ALPK1 (alpha kinase 1; plus strand). Cytogenetic location: 4q25.
Variant type: single nucleotide variant.
Coding change: c.2956G>A on transcript NM_025144.4 (MANE Select); coding-DNA position 2956, G replaced by A.
Protein change: p.Gly986Arg; replaces glycine 986 with arginine.
Molecular consequence: missense variant.
Genome position (GRCh38, 1-based): chr4:112,432,503, G>A. VCF-style: chr4-112432503-G-A. GRCh37 (hg19) VCF-style: chr4-113353659-G-A.
Other names: c.2956G>A, p.Gly986Arg (NM_001102406.2); c.2722G>A, p.Gly908Arg (NM_001253884.2); short protein forms G986R, G908R.
Identifiers: ClinVar variation 1901272 (VCV001901272.5), dbSNP rs1231720298, ClinGen allele CA357902880.

ClinVar aggregate classification (germline): Uncertain significance (1 of 4 stars; one submission).

Allele frequency attached by ClinVar (database versions not stated): gnomAD 0.00001; gnomAD exomes 0.00001; TOPMed 0.00001.
gnomAD v4.1: 5 of 1,614,102 alleles (0.00031%); highest among the groups gnomAD compares: Admixed American, 0.0017%; no homozygotes.

Submission:

Labcorp Genetics (formerly Invitae), Labcorp
Classification: Uncertain significance. Last evaluated: 2022-05-06. Review status: criteria provided, single submitter. Criteria: Invitae Variant Classification Sherloc (09022015). Collection method: clinical testing. Allele origin: germline.
Comment: In summary, the available evidence is currently insufficient to determine the role of this variant in disease. Therefore, it has been classified as a Variant of Uncertain Significance. Algorithms developed to predict the effect of missense changes on protein structure and function are either unavailable or do not agree on the potential impact of this missense change (SIFT: "Deleterious"; PolyPhen-2: "Probably Damaging"; Align-GVGD: "Class C15"). This variant has not been reported in the literature in individuals affected with ALPK1-related conditions. This variant is present in population databases (no rsID available, gnomAD 0.0009%). This sequence change replaces glycine, which is neutral and non-polar, with arginine, which is basic and polar, at codon 986 of the ALPK1 protein (p.Gly986Arg).